The following is an entry in ClinVar:

ClinVar aggregate classification (germline): Benign/Likely benign. Review status: criteria provided, multiple submitters, no conflicts (2 of 4 stars). 4 submissions from 4 submitters: Benign (1); Likely benign (3). Last evaluated 2026-02-10.

Conditions:
Postaxial polydactyly-anterior pituitary anomalies-facial dysmorphism syndrome. Also called: Culler-Jones syndrome. Identifiers: Orphanet 420584, MedGen C4014479, MONDO:0014369, OMIM 615849.
Holoprosencephaly 9 (HPE9). Also called: PITUITARY ANOMALIES WITH HOLOPROSENCEPHALY-LIKE FEATURES; HOLOPROSENCEPHALY WITH MICROPHTHALMIA AND FIRST BRANCHIAL ARCH ANOMALIES. Identifiers: Orphanet 2162, MedGen C1835819, MONDO:0012563, OMIM 610829.

Allele frequency attached by ClinVar (database versions not stated): gnomAD 0.00001; gnomAD exomes 0.00005; TOPMed 0.00011; ExAC 0.00014.
gnomAD v4.1: 79 of 1,613,868 alleles (0.0049%); highest among the groups gnomAD compares: Admixed American, 0.087%; no homozygotes.

Submissions (4):

Women's Health and Genetics/Laboratory Corporation of America, LabCorp
Classification: Likely benign. Last evaluated: 2026-02-10. Review status: criteria provided, single submitter. Criteria: LabCorp Variant Classification Summary - May 2015. Collection method: clinical testing. Allele origin: germline.

Labcorp Genetics (formerly Invitae), Labcorp
Classification: Benign for Postaxial polydactyly-anterior pituitary anomalies-facial dysmorphism syndrome; Holoprosencephaly 9. Last evaluated: 2025-12-24. Review status: criteria provided, single submitter. Criteria: Invitae Variant Classification Sherloc (09022015). Collection method: clinical testing. Allele origin: germline.

CeGaT Center for Human Genetics Tuebingen
Classification: Likely benign. Last evaluated: 2025-12-01. Review status: criteria provided, single submitter. Criteria: CeGaT Center For Human Genetics Tuebingen Variant Classification Criteria Version 2. Collection method: clinical testing. Allele origin: germline. Affected: yes. Observed: 1 variant allele.
Comment: GLI2: BP4, BP7

Blueprint Genetics
Classification: Likely benign. Last evaluated: 2024-02-06. Review status: criteria provided, single submitter. Criteria: ACMG Guidelines, 2015. Collection method: clinical testing. Allele origin: germline.

NM_001374353.1(GLI2):c.66C>T (p.Ala22=)

Gene: GLI2 (GLI family zinc finger 2; plus strand). Cytogenetic location: 2q14.2.
Variant type: single nucleotide variant.
Coding change: c.66C>T on transcript NM_001374353.1 (MANE Select); coding-DNA position 66, C replaced by T.
Protein change: p.Ala22=; no amino-acid change (alanine 22 retained).
Molecular consequence: synonymous variant. On other transcripts: 5 prime UTR variant (1).
Genome position (GRCh38, 1-based): chr2:120,797,386, C>T. VCF-style: chr2-120797386-C-T. GRCh37 (hg19) VCF-style: chr2-121554962-C-T.
Other names: c.66C>T, p.Ala22= (NM_001371271.1, NM_005270.5); c.-204C>T (NM_001374354.1).
Identifiers: ClinVar variation 1926748 (VCV001926748.12), dbSNP rs752414968, ClinGen allele CA1851387.